The following is an entry in ClinVar:

ClinVar aggregate classification (germline): Pathogenic. Review status: criteria provided, multiple submitters, no conflicts (2 of 4 stars). 2 submissions from 2 submitters: Pathogenic (2). Last evaluated 2024-06-25.

Conditions:
Jeune thoracic dystrophy. Also called: Jeune syndrome; Infantile thoracic dystrophy; Thoracic pelvic phalangeal dystrophy; Jeune's syndrome; Chondroectodermal dysplasia-like syndrome; Short-rib thoracic dysplasia. Identifiers: Orphanet 474, MedGen C0265275, MONDO:0018770.
Asphyxiating thoracic dystrophy 3. Also called: SHORT-RIB THORACIC DYSPLASIA 3/6 WITH POLYDACTYLY, DIGENIC; Saldino-Noonan Syndrome; SHORT-RIB THORACIC DYSPLASIA 3 WITH OR WITHOUT POLYDACTYLY; POLYDACTYLY WITH NEONATAL CHONDRODYSTROPHY, TYPE I; Short rib polydactyly syndrome 2B. Identifiers: Orphanet 474, Orphanet 93269, Orphanet 93270, Orphanet 93271, MedGen C0036069, MONDO:0013127, OMIM 613091.

Submissions (2):

Myriad Genetics, Inc.
Classification: Pathogenic for Asphyxiating thoracic dystrophy 3. Last evaluated: 2024-06-25. Review status: criteria provided, single submitter. Criteria: Myriad Autosomal Dominant, Autosomal Recessive and X-Linked Classification Criteria (2023). Collection method: clinical testing. Allele origin: unknown.
Comment: NM_001377.2(DYNC2H1):c.874G>T(E292*) is expected to be pathogenic in the context of DYNC2H1-related disorders. This variant is predicted to lead to an abnormal or absent protein product due to the creation of a premature termination codon in DYNC2H1, a gene where loss-of-function variants are known to be pathogenic. Please note: this variant was assessed in the context of healthy population screening.

Labcorp Genetics (formerly Invitae), Labcorp
Classification: Pathogenic for Jeune thoracic dystrophy. Last evaluated: 2024-03-27. Review status: criteria provided, single submitter. Criteria: Invitae Variant Classification Sherloc (09022015). Collection method: clinical testing. Allele origin: germline.
Comment: This sequence change creates a premature translational stop signal (p.Glu292*) in the DYNC2H1 gene. It is expected to result in an absent or disrupted protein product. Loss-of-function variants in DYNC2H1 are known to be pathogenic (PMID: 23339108, 32753734, 33755199). This variant is not present in population databases (gnomAD no frequency). This variant has not been reported in the literature in individuals affected with DYNC2H1-related conditions. For these reasons, this variant has been classified as Pathogenic.

Literature cited by the submitters: PubMed 23339108 (cited by Labcorp Genetics (formerly Invitae), Labcorp); PubMed 32753734 (cited by Labcorp Genetics (formerly Invitae), Labcorp); PubMed 33755199 (cited by Labcorp Genetics (formerly Invitae), Labcorp).

NM_001377.3(DYNC2H1):c.874G>T (p.Glu292Ter)

Gene: DYNC2H1 (dynein cytoplasmic 2 heavy chain 1; plus strand). Cytogenetic location: 11q22.3.
Variant type: single nucleotide variant.
Coding change: c.874G>T on transcript NM_001377.3 (MANE Select); coding-DNA position 874, G replaced by T.
Protein change: p.Glu292Ter; replaces glutamic acid 292 with a stop codon.
Molecular consequence: nonsense.
Genome position (GRCh38, 1-based): chr11:103,117,738, G>T. VCF-style: chr11-103117738-G-T. GRCh37 (hg19) VCF-style: chr11-102988467-G-T.
Other names: c.874G>T, p.Glu292Ter (NM_001080463.2); short protein forms E292*.
Identifiers: ClinVar variation 3647838 (VCV003647838.3).